The following is an entry in ClinVar:

NM_030962.4(SBF2):c.4095C>T (p.Ile1365=)

Gene: SBF2 (SET binding factor 2; minus strand). Cytogenetic location: 11p15.4.
Variant type: single nucleotide variant.
Coding change: c.4095C>T on transcript NM_030962.4 (MANE Select); coding-DNA position 4095, C replaced by T.
Protein change: p.Ile1365=; no amino-acid change (isoleucine 1365 retained).
Molecular consequence: synonymous variant.
Genome position (GRCh38, 1-based): chr11:9,812,592, G>A on the plus strand (C>T on the coding strand, the complement: SBF2 is on the minus strand). VCF-style: chr11-9812592-G-A. GRCh37 (hg19) VCF-style: chr11-9834139-G-A.
Other names: c.4191C>T, p.Ile1397= (NM_001386339.1); c.3966C>T, p.Ile1322= (NM_001386342.1).
Identifiers: ClinVar variation 514657 (VCV000514657.43), dbSNP rs142904756, ClinGen allele CA5881067.
Genomic context (GRCh38, chr11:9,812,592, plus strand): 5'-CTGTGGGAACCACTCAGAATCTCCCAGCGCTTTCAGGAAGGTCACTTCTGAGTCAGTAGG[G>A]ATGGTGCTTGGGATACAAGCCCTCATCAGCTTCTTAAAACTGGCTTTCACTTGCCGGATT-3'
Protein context (NP_112224.1, residues 1355-1375): KLMRACIPST[Ile1365=]PTDSEVTFLK

ClinVar aggregate classification (germline): Likely benign. Review status: criteria provided, multiple submitters, no conflicts (2 of 4 stars). 7 submissions from 7 submitters: Likely benign (6). 1 of the submissions does not count toward it. Last evaluated 2025-11-11.

Conditions:
Charcot-Marie-Tooth disease type 4. Also called: Charcot-Marie-Tooth disease, type IV; Charcot-Marie-Tooth, Type 4. Identifiers: Orphanet 64749, MedGen C4082197, MONDO:0018995.
SBF2-related disorder. Also called: SBF2-related condition.
Inborn genetic diseases. Identifiers: MedGen C0950123, MeSH D030342.

Allele frequency attached by ClinVar (database versions not stated): gnomAD exomes 0.00006 and 0.00014; ExAC 0.00007; gnomAD 0.00010 and 0.00011; TOPMed 0.00012; ESP Exome Variant Server 0.00031.
gnomAD v4.1: 217 of 1,614,108 alleles (0.013%); highest among the groups gnomAD compares: Non-Finnish European, 0.018%; no homozygotes.

Submissions (7):

Labcorp Genetics (formerly Invitae), Labcorp
Classification: Likely benign for Charcot-Marie-Tooth disease type 4. Last evaluated: 2025-11-11. Review status: criteria provided, single submitter. Criteria: Invitae Variant Classification Sherloc (09022015). Collection method: clinical testing. Allele origin: germline.

Blueprint Genetics
Classification: Likely benign. Last evaluated: 2024-09-07. Review status: criteria provided, single submitter. Criteria: ACMG Guidelines, 2015. Collection method: clinical testing. Allele origin: germline.

CeGaT Center for Human Genetics Tuebingen
Classification: Likely benign. Last evaluated: 2022-07-01. Review status: criteria provided, single submitter. Criteria: CeGaT Center For Human Genetics Tuebingen Variant Classification Criteria Version 2. Collection method: clinical testing. Allele origin: germline. Affected: yes. Observed: 1 variant allele.
Comment: SBF2: BP4, BP7

Ambry Genetics
Classification: Likely benign for Inborn genetic diseases. Last evaluated: 2019-07-11. Review status: criteria provided, single submitter. Criteria: Ambry Variant Classification Scheme 2023. Collection method: clinical testing. Allele origin: germline.

GeneDx
Classification: Likely benign. Last evaluated: 2019-05-30. Review status: criteria provided, single submitter. Criteria: GeneDx Variant Classification Process June 2021. Collection method: clinical testing. Allele origin: germline. Affected: yes.

Genetic Services Laboratory, University of Chicago
Classification: Likely benign. Last evaluated: 2017-11-13. Review status: criteria provided, single submitter. Criteria: ACMG Guidelines, 2015. Collection method: clinical testing. Allele origin: germline. Affected: no.

PreventionGenetics, part of Exact Sciences
Classification: Likely benign for SBF2-related condition. Last evaluated: 2019-08-20. Review status: no assertion criteria provided. Collection method: clinical testing. Allele origin: germline. Not counted in ClinVar's aggregate classification.
Comment: This variant is classified as likely benign based on ACMG/AMP sequence variant interpretation guidelines (Richards et al. 2015 PMID: 25741868, with internal and published modifications).